The following is an entry in ClinVar:

NM_000744.7(CHRNA4):c.143A>G (p.Tyr48Cys)

Gene: CHRNA4 (cholinergic receptor nicotinic alpha 4 subunit; minus strand). Cytogenetic location: 20q13.33.
Variant type: single nucleotide variant.
Coding change: c.143A>G on transcript NM_000744.7 (MANE Select); coding-DNA position 143, A replaced by G.
Protein change: p.Tyr48Cys; replaces tyrosine 48 with cysteine.
Molecular consequence: missense variant. On other transcripts: 5 prime UTR variant (1), non-coding transcript variant (1).
Genome position (GRCh38, 1-based): chr20:63,359,633, T>C on the plus strand (A>G on the coding strand, the complement: CHRNA4 is on the minus strand). VCF-style: chr20-63359633-T-C. GRCh37 (hg19) VCF-style: chr20-61990985-T-C.
Other names: c.-404A>G (NM_001256573.2); short protein forms Y48C.
Identifiers: ClinVar variation 3616164 (VCV003616164.2).
Genomic context (GRCh38, chr20:63,359,633, plus strand): 5'-AGGCCGAAGCGGACGAGGACCACGTCCGAGATGTTGGCCACGGGTCGGGACCACTTGTTG[T>C]AACCGGAGAAGAGTTTCTTCAGGAGCCGCTCCTCGGCGTGGGCCCGGGTCTCCACATGGC-3'
Protein context (NP_000735.1, residues 38-58): ERLLKKLFSG[Tyr48Cys]NKWSRPVANI

ClinVar aggregate classification (germline): Uncertain significance (1 of 4 stars; one submission).

Conditions:
Familial sleep-related hypermotor epilepsy. Also called: Autosomal Dominant Sleep-Related Hypermotor (Hyperkinetic) Epilepsy. Identifiers: Orphanet 98784, MedGen C3696898, MONDO:0000030.

Submission:

Labcorp Genetics (formerly Invitae), Labcorp
Classification: Uncertain significance. Last evaluated: 2024-10-27. Review status: criteria provided, single submitter. Criteria: Invitae Variant Classification Sherloc (09022015). Collection method: clinical testing. Allele origin: germline.
Comment: This sequence change replaces tyrosine, which is neutral and polar, with cysteine, which is neutral and slightly polar, at codon 48 of the CHRNA4 protein (p.Tyr48Cys). This variant is not present in population databases (gnomAD no frequency). This variant has not been reported in the literature in individuals affected with CHRNA4-related conditions. Invitae Evidence Modeling of protein sequence and biophysical properties (such as structural, functional, and spatial information, amino acid conservation, physicochemical variation, residue mobility, and thermodynamic stability) indicates that this missense variant is expected to disrupt CHRNA4 protein function with a positive predictive value of 80%. In summary, the available evidence is currently insufficient to determine the role of this variant in disease. Therefore, it has been classified as a Variant of Uncertain Significance.